The following is an entry in ClinVar:

ClinVar aggregate classification (germline): Uncertain significance (1 of 4 stars; one submission).

Conditions:
Dyskeratosis congenita. Identifiers: Orphanet 1775, MedGen C0265965, MONDO:0015780.

Allele frequency attached by ClinVar (database versions not stated): gnomAD exomes below 0.00001.

Submission:

Labcorp Genetics (formerly Invitae), Labcorp
Classification: Uncertain significance for Dyskeratosis congenita. Last evaluated: 2023-04-15. Review status: criteria provided, single submitter. Criteria: Invitae Variant Classification Sherloc (09022015). Collection method: clinical testing. Allele origin: germline.
Comment: This variant has not been reported in the literature in individuals affected with TINF2-related conditions. In summary, the available evidence is currently insufficient to determine the role of this variant in disease. Therefore, it has been classified as a Variant of Uncertain Significance. An algorithm developed to predict the effect of missense changes on protein structure and function (PolyPhen-2) suggests that this variant is likely to be tolerated. This variant is not present in population databases (gnomAD no frequency). This sequence change replaces glutamic acid, which is acidic and polar, with aspartic acid, which is acidic and polar, at codon 216 of the TINF2 protein (p.Glu216Asp).

NM_001099274.3(TINF2):c.648A>C (p.Glu216Asp)

Gene: TINF2 (TERF1 interacting nuclear factor 2; minus strand). Cytogenetic location: 14q12.
Variant type: single nucleotide variant.
Coding change: c.648A>C on transcript NM_001099274.3 (MANE Select); coding-DNA position 648, A replaced by C.
Protein change: p.Glu216Asp; replaces glutamic acid 216 with aspartic acid.
Molecular consequence: missense variant.
Genome position (GRCh38, 1-based): chr14:24,240,832, T>G on the plus strand (A>C on the coding strand, the complement: TINF2 is on the minus strand). VCF-style: chr14-24240832-T-G. GRCh37 (hg19) VCF-style: chr14-24710038-T-G.
Other names: c.543A>C, p.Glu181Asp (NM_001363668.2); c.648A>C, p.Glu216Asp (NM_012461.3); short protein forms E181D, E216D.
Identifiers: ClinVar variation 2709704 (VCV002709704.3), dbSNP rs763700245, ClinGen allele CA257882950.